The following is an entry in ClinVar:

ClinVar aggregate classification (germline): Uncertain significance. Review status: criteria provided, multiple submitters, no conflicts (2 of 4 stars). 2 submissions from 2 submitters: Uncertain significance (2). Last evaluated 2025-02-05.

Conditions:
Inborn genetic diseases. Identifiers: MedGen C0950123, MeSH D030342.
Autosomal recessive limb-girdle muscular dystrophy type R18 (LGMDR18). Also called: MUSCULAR DYSTROPHY, LIMB-GIRDLE, AUTOSOMAL RECESSIVE 18; Autosomal recessive limb-girdle muscular dystrophy type 2S; Limb-girdle muscular dystrophy, type 2S. Identifiers: Orphanet 369840, MedGen C4517996, MONDO:0014144, OMIM 615356.

Allele frequency attached by ClinVar (database versions not stated): gnomAD 0.00001 and 0.00002; gnomAD exomes 0.00002 and 0.00003; TOPMed 0.00002; ExAC 0.00003; 1000 Genomes Project 30x 0.00016; 1000 Genomes Project 0.00020.
gnomAD v4.1: 26 of 1,613,410 alleles (0.0016%); highest among the groups gnomAD compares: Middle Eastern, 0.017%; no homozygotes.

Submissions (2):

Ambry Genetics
Classification: Uncertain significance for Inborn genetic diseases. Last evaluated: 2025-02-05. Review status: criteria provided, single submitter. Criteria: Ambry Variant Classification Scheme 2023. Collection method: clinical testing. Allele origin: germline.

Labcorp Genetics (formerly Invitae), Labcorp
Classification: Uncertain significance for Autosomal recessive limb-girdle muscular dystrophy type R18. Last evaluated: 2022-07-12. Review status: criteria provided, single submitter. Criteria: Invitae Variant Classification Sherloc (09022015). Collection method: clinical testing. Allele origin: germline.
Comment: This sequence change replaces asparagine, which is neutral and polar, with serine, which is neutral and polar, at codon 950 of the TRAPPC11 protein (p.Asn950Ser). This variant is present in population databases (rs202170132, gnomAD 0.006%). This variant has not been reported in the literature in individuals affected with TRAPPC11-related conditions. ClinVar contains an entry for this variant (Variation ID: 1007772). Algorithms developed to predict the effect of missense changes on protein structure and function (SIFT, PolyPhen-2, Align-GVGD) all suggest that this variant is likely to be tolerated. In summary, the available evidence is currently insufficient to determine the role of this variant in disease. Therefore, it has been classified as a Variant of Uncertain Significance.

NM_021942.6(TRAPPC11):c.2849A>G (p.Asn950Ser)

Gene: TRAPPC11 (trafficking protein particle complex subunit 11; plus strand). Cytogenetic location: 4q35.1.
Variant type: single nucleotide variant.
Coding change: c.2849A>G on transcript NM_021942.6 (MANE Select); coding-DNA position 2849, A replaced by G.
Protein change: p.Asn950Ser; replaces asparagine 950 with serine.
Molecular consequence: missense variant.
Genome position (GRCh38, 1-based): chr4:183,697,833, A>G. VCF-style: chr4-183697833-A-G. GRCh37 (hg19) VCF-style: chr4-184618986-A-G.
Other names: c.2849A>G, p.Asn950Ser (NM_199053.3); c.2849A>G (NM_021942.4); short protein forms N950S.
Identifiers: ClinVar variation 1007772 (VCV001007772.7), dbSNP rs202170132, ClinGen allele CA3152330.